The following is an entry in ClinVar:

ClinVar aggregate classification (germline): Uncertain significance. Review status: criteria provided, multiple submitters, no conflicts (2 of 4 stars). 2 submissions from 2 submitters: Uncertain significance (2). Last evaluated 2022-10-29.

Conditions:
Inborn genetic diseases. Identifiers: MedGen C0950123, MeSH D030342.
Mosaic variegated aneuploidy syndrome 1 (MVA1). Also called: Warburton-Anyane-Yeboa syndrome. Identifiers: Orphanet 1052, MedGen C1850343, MONDO:0009759, OMIM 257300.

Allele frequency attached by ClinVar (database versions not stated): gnomAD exomes below 0.00001; TOPMed 0.00001.
gnomAD v4.1: 1 of 1,613,254 alleles (0.000062%); highest among the groups gnomAD compares: Admixed American, 0.0017%; no homozygotes.

Submissions (2):

Ambry Genetics
Classification: Uncertain significance for Inborn genetic diseases. Last evaluated: 2022-10-29. Review status: criteria provided, single submitter. Criteria: Ambry Variant Classification Scheme 2023. Collection method: clinical testing. Allele origin: germline.
Comment: The p.S96G variant (also known as c.286A>G), located in coding exon 4 of the BUB1B gene, results from an A to G substitution at nucleotide position 286. The serine at codon 96 is replaced by glycine, an amino acid with similar properties. This amino acid position is conserved. In addition, this alteration is predicted to be tolerated by in silico analysis. Since supporting evidence is limited at this time, the clinical significance of this alteration remains unclear.

Labcorp Genetics (formerly Invitae), Labcorp
Classification: Uncertain significance for Mosaic variegated aneuploidy syndrome 1. Last evaluated: 2021-06-03. Review status: criteria provided, single submitter. Criteria: Invitae Variant Classification Sherloc (09022015). Collection method: clinical testing. Allele origin: germline.
Comment: This sequence change replaces serine with glycine at codon 96 of the BUB1B protein (p.Ser96Gly). The serine residue is highly conserved and there is a small physicochemical difference between serine and glycine. This variant is not present in population databases (ExAC no frequency). This variant has not been reported in the literature in individuals with BUB1B-related conditions. Algorithms developed to predict the effect of missense changes on protein structure and function are either unavailable or do not agree on the potential impact of this missense change (SIFT: "Deleterious"; PolyPhen-2: "Benign"; Align-GVGD: "Class C0"). In summary, the available evidence is currently insufficient to determine the role of this variant in disease. Therefore, it has been classified as a Variant of Uncertain Significance.

NM_001211.6(BUB1B):c.286A>G (p.Ser96Gly)

Gene: BUB1B (BUB1 mitotic checkpoint serine/threonine kinase B; plus strand). Cytogenetic location: 15q15.1.
Variant type: single nucleotide variant.
Coding change: c.286A>G on transcript NM_001211.6 (MANE Select); coding-DNA position 286, A replaced by G.
Protein change: p.Ser96Gly; replaces serine 96 with glycine.
Molecular consequence: missense variant.
Genome position (GRCh38, 1-based): chr15:40,170,583, A>G. VCF-style: chr15-40170583-A-G. GRCh37 (hg19) VCF-style: chr15-40462784-A-G.
Other names: short protein forms S96G.
Identifiers: ClinVar variation 1523315 (VCV001523315.10), dbSNP rs998599773, ClinGen allele CA268769554.